The following is an entry in ClinVar:

NM_000038.6(APC):c.1189G>A (p.Asp397Asn)

Gene: APC (APC regulator of Wnt signaling pathway; plus strand). Cytogenetic location: 5q22.2.
Variant type: single nucleotide variant.
Coding change: c.1189G>A on transcript NM_000038.6 (MANE Select); coding-DNA position 1189, G replaced by A.
Protein change: p.Asp397Asn; replaces aspartic acid 397 with asparagine.
Molecular consequence: missense variant. On other transcripts: intron variant (4).
Genome position (GRCh38, 1-based): chr5:112,819,221, G>A. VCF-style: chr5-112819221-G-A. GRCh37 (hg19) VCF-style: chr5-112154918-G-A.
Other names: c.340G>A, p.Asp114Asn (NM_001354906.2); c.964-48G>A (NM_001354902.2); c.859-48G>A (NM_001354904.2); c.934-48G>A (NM_001354903.2); c.757-48G>A (NM_001354905.2); c.1189G>A, p.Asp397Asn (NM_001127510.3, NM_001354895.2, NM_001354896.2); c.1135G>A, p.Asp379Asn (NM_001127511.3); c.1219G>A, p.Asp407Asn (NM_001354897.2); and 3 more; short protein forms D372N, D369N, D338N, D397N, D114N, D379N, D407N.
Identifiers: ClinVar variation 818543 (VCV000818543.4), dbSNP rs1580530341, ClinGen allele CA16023907.

ClinVar aggregate classification (germline): Uncertain significance (1 of 4 stars; one submission).

Conditions:
Hereditary cancer-predisposing syndrome. Also called: Tumor predisposition; Hereditary neoplastic syndrome; Neoplastic Syndromes, Hereditary; Hereditary Cancer Syndrome. Identifiers: Orphanet 140162, MedGen C0027672, MeSH D009386, MONDO:0015356.

Submission:

Ambry Genetics
Classification: Uncertain significance for Hereditary cancer-predisposing syndrome. Last evaluated: 2018-10-01. Review status: criteria provided, single submitter. Criteria: Ambry Variant Classification Scheme 2023. Collection method: clinical testing. Allele origin: germline.
Comment: The p.D397N variant (also known as c.1189G>A), located in coding exon 9 of the APC gene, results from a G to A substitution at nucleotide position 1189. The aspartic acid at codon 397 is replaced by asparagine, an amino acid with highly similar properties. This amino acid position is highly conserved in available vertebrate species. In addition, in silico predictors for this gene do not accurately predict pathogenicity. Since supporting evidence is limited at this time, the clinical significance of this alteration remains unclear.